The following is an entry in ClinVar:

NM_000975.5(RPL11):c.327C>A (p.Ile109=)

Gene: RPL11 (ribosomal protein L11; plus strand). Cytogenetic location: 1p36.11.
Variant type: single nucleotide variant.
Coding change: c.327C>A on transcript NM_000975.5 (MANE Select); coding-DNA position 327, C replaced by A.
Protein change: p.Ile109=; no amino-acid change (isoleucine 109 retained).
Molecular consequence: synonymous variant.
Genome position (GRCh38, 1-based): chr1:23,694,722, C>A. VCF-style: chr1-23694722-C-A. GRCh37 (hg19) VCF-style: chr1-24021212-C-A.
Other names: c.324C>A, p.Ile108= (NM_001199802.1).
Identifiers: ClinVar variation 3032487 (VCV003032487.2), dbSNP rs1570568217, ClinGen allele CA416613907.

ClinVar aggregate classification (germline): Likely benign (0 of 4 stars; one submission).

Conditions:
RPL11-related disorder. Also called: RPL11-related condition.

Allele frequency attached by ClinVar (database versions not stated): gnomAD exomes below 0.00001; TOPMed below 0.00001.
gnomAD v4.1: 4 of 1,614,114 alleles (0.00025%); highest among the groups gnomAD compares: Middle Eastern, 0.016%; no homozygotes.

Submission:

PreventionGenetics, part of Exact Sciences
Classification: Likely benign for RPL11-related condition. Last evaluated: 2020-08-11. Review status: no assertion criteria provided. Collection method: clinical testing. Allele origin: germline.
Comment: This variant is classified as likely benign based on ACMG/AMP sequence variant interpretation guidelines (Richards et al. 2015 PMID: 25741868, with internal and published modifications).